The following is an entry in ClinVar:

NM_032638.5(GATA2):c.465_473del (p.Val156_Ser158del)

Gene: GATA2 (GATA binding protein 2; minus strand). Cytogenetic location: 3q21.3.
Variant type: Deletion.
Coding change: c.465_473del on transcript NM_032638.5 (MANE Select); coding-DNA positions 465 to 473, 9 bases deleted (AGTGGCCTC; older notation c.465_473delAGTGGCCTC).
Protein change: p.Val156_Ser158del.
Molecular consequence: inframe deletion. On other transcripts: inframe indel (1).
Genome position (GRCh38, 1-based): chr3:128,486,125-128,486,133, GAGGCCACT deleted on the plus strand (AGTGGCCTC on the coding strand, the reverse complement: GATA2 is on the minus strand); deleting any 9 consecutive bases within chr3:128,486,125-128,486,136 gives the same sequence; the c. name uses the placement nearest the transcript's 3' end. VCF-style (leftmost placement, unchanged base first): chr3-128486124-GGAGGCCACT-G. GRCh37 (hg19) VCF-style: chr3-128204967-GGAGGCCACT-G.
Other names: c.465_473delAGTGGCCTC (NM_032638.4); c.465_473del, p.Val156_Ser158del (NM_001145661.2, NM_001145662.1).
Identifiers: ClinVar variation 4620622 (VCV004620622.1).

ClinVar aggregate classification (germline): Uncertain significance (1 of 4 stars; one submission).

Conditions:
Inborn genetic diseases. Identifiers: MedGen C0950123, MeSH D030342.

Submission:

Ambry Genetics
Classification: Uncertain significance for Inborn genetic diseases. Last evaluated: 2025-09-30. Review status: criteria provided, single submitter. Criteria: Ambry Variant Classification Scheme 2023. Collection method: clinical testing. Allele origin: germline.
Comment: The c.465_473delAGTGGCCTC variant (also known as p.V156_S158del) is located in coding exon 2 of the GATA2 gene. This variant results from an in-frame AGTGGCCTC deletion at nucleotide positions 465 to 473. This results in the in-frame deletion of amino acids at codons 156 to 158. This amino acid region is not well conserved in available vertebrate species. In addition, this variant is predicted to be neutral by in silico analysis (Choi Y et al. PLoS ONE. 2012; 7(10):e46688). Based on the available evidence, the clinical significance of this variant remains unclear.